The following is an entry in ClinVar:

ClinVar aggregate classification (germline): Uncertain significance. Review status: criteria provided, multiple submitters, no conflicts (2 of 4 stars). 2 submissions from 2 submitters: Uncertain significance (2). Last evaluated 2023-05-17.

Conditions:
Inborn genetic diseases. Identifiers: MedGen C0950123, MeSH D030342.

Allele frequency attached by ClinVar (database versions not stated): gnomAD exomes below 0.00001; TOPMed below 0.00001.
gnomAD v4.1: 1 of 1,614,148 alleles (0.000062%); highest among the groups gnomAD compares: East Asian, 0.0022%; no homozygotes.

Submissions (2):

Ambry Genetics
Classification: Uncertain significance for Inborn genetic diseases. Last evaluated: 2023-05-17. Review status: criteria provided, single submitter. Criteria: Ambry Variant Classification Scheme 2023. Collection method: clinical testing. Allele origin: germline.

Labcorp Genetics (formerly Invitae), Labcorp
Classification: Uncertain significance. Last evaluated: 2022-08-21. Review status: criteria provided, single submitter. Criteria: Invitae Variant Classification Sherloc (09022015). Collection method: clinical testing. Allele origin: germline.
Comment: In summary, the available evidence is currently insufficient to determine the role of this variant in disease. Therefore, it has been classified as a Variant of Uncertain Significance. Algorithms developed to predict the effect of missense changes on protein structure and function are either unavailable or do not agree on the potential impact of this missense change (SIFT: "Deleterious"; PolyPhen-2: "Benign"; Align-GVGD: "Class C0"). This variant has not been reported in the literature in individuals affected with FREM2-related conditions. This variant is present in population databases (no rsID available, gnomAD 0.006%). This sequence change replaces serine, which is neutral and polar, with asparagine, which is neutral and polar, at codon 3031 of the FREM2 protein (p.Ser3031Asn).

NM_207361.6(FREM2):c.9092G>A (p.Ser3031Asn)

Gene: FREM2 (FRAS1 related extracellular matrix 2; plus strand). Cytogenetic location: 13q13.3.
Variant type: single nucleotide variant.
Coding change: c.9092G>A on transcript NM_207361.6 (MANE Select); coding-DNA position 9092, G replaced by A.
Protein change: p.Ser3031Asn; replaces serine 3031 with asparagine.
Molecular consequence: missense variant.
Genome position (GRCh38, 1-based): chr13:38,880,369, G>A. VCF-style: chr13-38880369-G-A. GRCh37 (hg19) VCF-style: chr13-39454506-G-A.
Other names: c.9092G>A (NM_207361.4); short protein forms S3031N.
Identifiers: ClinVar variation 1946382 (VCV001946382.7), dbSNP rs1386002442, ClinGen allele CA387910123.